The following is an entry in ClinVar:

NM_000245.4(MET):c.2703G>A (p.Leu901=)

Gene: MET (MET proto-oncogene, receptor tyrosine kinase; plus strand). Cytogenetic location: 7q31.2.
Variant type: single nucleotide variant.
Coding change: c.2703G>A on transcript NM_000245.4 (MANE Select); coding-DNA position 2703, G replaced by A.
Protein change: p.Leu901=; no amino-acid change (leucine 901 retained).
Molecular consequence: synonymous variant.
Genome position (GRCh38, 1-based): chr7:116,769,764, G>A. VCF-style: chr7-116769764-G-A. GRCh37 (hg19) VCF-style: chr7-116409818-G-A.
Other names: c.2757G>A (NM_001127500.1); c.2757G>A, p.Leu919= (NM_001127500.3); c.2703G>A, p.Leu901= (NM_001324401.3); c.1413G>A, p.Leu471= (NM_001324402.2).
Identifiers: ClinVar variation 1141544 (VCV001141544.11), dbSNP rs1374413099, ClinGen allele CA457441770.

ClinVar aggregate classification (germline): Benign/Likely benign. Review status: criteria provided, multiple submitters, no conflicts (2 of 4 stars). 3 submissions from 3 submitters: Benign (1); Likely benign (2). Last evaluated 2024-11-12.

Conditions:
Hereditary cancer-predisposing syndrome. Also called: Hereditary Cancer Syndrome; Neoplastic Syndromes, Hereditary; Hereditary neoplastic syndrome; Tumor predisposition. Identifiers: Orphanet 140162, MedGen C0027672, MeSH D009386, MONDO:0015356.
Papillary renal cell carcinoma type 1 (RCCP1). Also called: RENAL CELL CARCINOMA, PAPILLARY, 1, SOMATIC; Renal adenocarcinoma; Renal cell carcinoma 1; Renal cell carcinoma, somatic. Identifiers: Orphanet 47044, MedGen C1336839, OMIM 605074, HP:0011797.
Renal cell carcinoma. Identifiers: Orphanet 217071, MedGen C0007134, MeSH D002292, MONDO:0005086, HP:0005584.

Submissions (3):

Myriad Genetics, Inc.
Classification: Benign for Papillary renal cell carcinoma type 1. Last evaluated: 2024-11-12. Review status: criteria provided, single submitter. Criteria: Myriad Autosomal Dominant, Autosomal Recessive and X-Linked Classification Criteria (2023). Collection method: clinical testing. Allele origin: unknown.
Comment: This variant is considered benign. This variant is a silent/synonymous amino acid change and it is not expected to impact splicing.

Ambry Genetics
Classification: Likely benign for Hereditary cancer-predisposing syndrome. Last evaluated: 2023-09-06. Review status: criteria provided, single submitter. Criteria: Ambry Variant Classification Scheme 2023. Collection method: clinical testing. Allele origin: germline.

Labcorp Genetics (formerly Invitae), Labcorp
Classification: Likely benign for Renal cell carcinoma. Last evaluated: 2020-08-20. Review status: criteria provided, single submitter. Criteria: Invitae Variant Classification Sherloc (09022015). Collection method: clinical testing. Allele origin: germline.